The following is an entry in ClinVar:

ClinVar aggregate classification (germline): Pathogenic (1 of 4 stars; one submission).

Conditions:
Stickler syndrome type 1 (STL1). Also called: ARTHROOPHTHALMOPATHY, HEREDITARY PROGRESSIVE; STICKLER SYNDROME, MEMBRANOUS VITREOUS TYPE; STICKLER SYNDROME, VITREOUS TYPE 1; COL2A1-Related Stickler Syndrome. Identifiers: Orphanet 828, Orphanet 90653, MedGen C2020284, MONDO:0007160, OMIM 108300.

Submission:

MVZ Medizinische Genetik Mainz
Classification: Pathogenic for Stickler syndrome type 1. Last evaluated: 2024-10-01. Review status: criteria provided, single submitter. Criteria: UK Practice Guidelines For Variant Classification V4 01 2020. Collection method: clinical testing. Allele origin: germline. Inheritance: Autosomal dominant inheritance. Affected: yes. Observed: 1 variant allele.
Comment: ACMG Criteria: PVS1,PS1_SUP,PM2_SUP,PP4

NM_001844.5(COL2A1):c.2895+1G>T

Gene: COL2A1 (collagen type II alpha 1 chain; minus strand). Cytogenetic location: 12q13.11.
Variant type: single nucleotide variant.
Coding change: c.2895+1G>T on transcript NM_001844.5 (MANE Select); the canonical splice donor site of the intron after coding-DNA position 2895, G replaced by T.
Molecular consequence: splice donor variant.
Genome position (GRCh38, 1-based): chr12:47,978,596, C>A on the plus strand (G>T on the coding strand, the complement: COL2A1 is on the minus strand). VCF-style: chr12-47978596-C-A. GRCh37 (hg19) VCF-style: chr12-48372379-C-A.
Other names: c.2688+1G>T (NM_033150.3).
Identifiers: ClinVar variation 3370358 (VCV003370358.1).
Genomic context (GRCh38, chr12:47,978,596, plus strand): 5'-TCAGAAGCCACTCACGACCCTGCTCCCAGGGACCTTGGCATGGGCCTGGTGAGGGACTTA[C>A]AGAGGGACCGTCATCTCCAGGCTCTCCCTTCTCGCCAGGGGGTCCAGCAGGACCTTGGAG-3'